The following is an entry in ClinVar:

NM_001197104.2(KMT2A):c.11329G>A (p.Ala3777Thr)

Genes: TTC36-AS1 (TTC36 and KMT2A antisense RNA 1; minus strand), KMT2A (lysine methyltransferase 2A; plus strand). Cytogenetic location: 11q23.3.
Variant type: single nucleotide variant.
Coding change: c.11329G>A on transcript NM_001197104.2 (MANE Select); coding-DNA position 11329, G replaced by A.
Protein change: p.Ala3777Thr; replaces alanine 3777 with threonine.
Molecular consequence: missense variant.
Genome position (GRCh38, 1-based): chr11:118,519,964, G>A. VCF-style: chr11-118519964-G-A. GRCh37 (hg19) VCF-style: chr11-118390679-G-A.
Other names: c.11419G>A, p.Ala3807Thr (NM_001412597.1); c.11320G>A, p.Ala3774Thr (NM_005933.4); short protein forms A3807T, A3774T, A3777T.
Identifiers: ClinVar variation 2013968 (VCV002013968.4), dbSNP rs1950921536, ClinGen allele CA382833287.

ClinVar aggregate classification (germline): Uncertain significance (1 of 4 stars; one submission).

Allele frequency attached by ClinVar (database versions not stated): TOPMed below 0.00001.
gnomAD v4.1: 1 of 1,613,130 alleles (0.000062%); highest among the groups gnomAD compares: Non-Finnish European, 0.000085%; no homozygotes.

Submission:

Labcorp Genetics (formerly Invitae), Labcorp
Classification: Uncertain significance. Last evaluated: 2022-07-04. Review status: criteria provided, single submitter. Criteria: Invitae Variant Classification Sherloc (09022015). Collection method: clinical testing. Allele origin: germline.
Comment: In summary, the available evidence is currently insufficient to determine the role of this variant in disease. Therefore, it has been classified as a Variant of Uncertain Significance. Algorithms developed to predict the effect of sequence changes on RNA splicing suggest that this variant may disrupt the consensus splice site. Advanced modeling of protein sequence and biophysical properties (such as structural, functional, and spatial information, amino acid conservation, physicochemical variation, residue mobility, and thermodynamic stability) performed at Invitae indicates that this missense variant is not expected to disrupt KMT2A protein function. This variant has not been reported in the literature in individuals affected with KMT2A-related conditions. This variant is not present in population databases (gnomAD no frequency). This sequence change replaces alanine, which is neutral and non-polar, with threonine, which is neutral and polar, at codon 3777 of the KMT2A protein (p.Ala3777Thr).